The following is an entry in ClinVar:

NM_024334.3(TMEM43):c.584-5dup

Gene: TMEM43 (transmembrane protein 43; plus strand). Cytogenetic location: 3p25.1.
Variant type: Duplication.
Coding change: c.584-5dup on transcript NM_024334.3 (MANE Select); 5 bases into the intron before coding-DNA position 584, one base duplicated (C; older notation c.584-5dupC).
Molecular consequence: intron variant.
Genome position (GRCh38, 1-based): chr3:14,134,765, C duplicated; the last of 4 consecutive C bases (chr3:14,134,762-14,134,765); duplicating any one gives the same sequence. VCF-style (leftmost placement, unchanged base first): chr3-14134761-T-TC. GRCh37 (hg19) VCF-style: chr3-14176261-T-TC.
Other names: c.584-5dupC (NM_024334.2).
Identifiers: ClinVar variation 511382 (VCV000511382.1), dbSNP rs1553603140, ClinGen allele CA658796246.

ClinVar aggregate classification (germline): Likely benign (1 of 4 stars; one submission).

Submission:

GeneDx
Classification: Likely benign. Last evaluated: 2017-08-15. Review status: criteria provided, single submitter. Criteria: GeneDx Variant Classification (06012015). Collection method: clinical testing. Allele origin: germline. Affected: yes.
Comment: This variant is considered likely benign or benign based on one or more of the following criteria: it is a conservative change, it occurs at a poorly conserved position in the protein, it is predicted to be benign by multiple in silico algorithms, and/or has population frequency not consistent with disease.